The following is an entry in ClinVar:

ClinVar aggregate classification (germline): Uncertain significance (1 of 4 stars; one submission).

Conditions:
Cardiovascular phenotype. Identifiers: MedGen CN230736.

Allele frequency attached by ClinVar (database versions not stated): gnomAD 0.00001; gnomAD exomes 0.00001; ExAC 0.00007; 1000 Genomes Project 0.00020; 1000 Genomes Project 30x 0.00031.
gnomAD v4.1: 5 of 1,550,178 alleles (0.00032%); highest among the groups gnomAD compares: Non-Finnish European, 0.00044%; no homozygotes.

Submission:

Ambry Genetics
Classification: Uncertain significance for Cardiovascular phenotype. Last evaluated: 2022-03-22. Review status: criteria provided, single submitter. Criteria: Ambry Variant Classification Scheme 2023. Collection method: clinical testing. Allele origin: germline.
Comment: The p.E226A variant (also known as c.677A>C), located in coding exon 1 of the ZNF469 gene, results from an A to C substitution at nucleotide position 677. The glutamic acid at codon 226 is replaced by alanine, an amino acid with dissimilar properties. This amino acid position is conserved. In addition, this alteration is predicted to be tolerated by in silico analysis. Since supporting evidence is limited at this time, the clinical significance of this alteration remains unclear.

NM_001367624.2(ZNF469):c.677A>C (p.Glu226Ala)

Gene: ZNF469 (zinc finger protein 469; plus strand). Cytogenetic location: 16q24.2.
Variant type: single nucleotide variant.
Coding change: c.677A>C on transcript NM_001367624.2 (MANE Select); coding-DNA position 677, A replaced by C.
Protein change: p.Glu226Ala; replaces glutamic acid 226 with alanine.
Molecular consequence: missense variant.
Genome position (GRCh38, 1-based): chr16:88,428,147, A>C. VCF-style: chr16-88428147-A-C. GRCh37 (hg19) VCF-style: chr16-88494555-A-C.
Other names: NM_001127464.1:c.677A>C; short protein forms E226A.
Identifiers: ClinVar variation 1755375 (VCV001755375.2), dbSNP rs571025240, ClinGen allele CA8224611.